The following is an entry in ClinVar:

Conditions:
Breast-ovarian cancer, familial, susceptibility to, 1 (BROVCA1). Also called: BRCA1 Hereditary Breast and Ovarian Cancer; OVARIAN CANCER, SUSCEPTIBILITY TO. Identifiers: Orphanet 145, MedGen C2676676, MONDO:0011450, OMIM 604370. Disease mechanism: loss of function.

Submission:

Brotman Baty Institute, University of Washington
No classification provided (evidence only). Condition: Breast-ovarian cancer, familial 1. Review status: no classification provided. Collection method: in vitro. Allele origin: not applicable. Functional consequence: functionally_abnormal.
ClinVar note: "not provided" was previously submitted as the classification for the variant. However, the classification appeared to be based only on an observation of functional data so it was converted to no classification on 2025-07-30.

NM_007294.4(BRCA1):c.135-3T>G

Gene: BRCA1 (BRCA1 DNA repair associated; minus strand). Cytogenetic location: 17q21.31.
Variant type: single nucleotide variant.
Coding change: c.135-3T>G on transcript NM_007294.4 (MANE Select); 3 bases into the intron before coding-DNA position 135, T replaced by G.
Molecular consequence: intron variant.
Genome position (GRCh38, 1-based): chr17:43,106,536, A>C on the plus strand (T>G on the coding strand, the complement: BRCA1 is on the minus strand). VCF-style: chr17-43106536-A-C. GRCh37 (hg19) VCF-style: chr17-41258553-A-C.
Other names: c.-7-3T>G (NM_001408458.1, NM_001407931.1, NM_001407747.1 and 99 more transcripts); c.-218-11676T>G (NM_001407967.1, NM_001407966.1); c.-169-1580T>G (NM_001407959.1, NM_001407962.1, NM_001408512.1 and 4 more transcripts); c.-54-3T>G (NM_001407885.1, NM_001407886.1, NM_001407898.1 and 58 more transcripts); c.135-3T>G (NM_001407686.1, NM_001408397.1, NM_001407632.1 and 167 more transcripts); c.81-1580T>G (NM_001408451.1); c.135-1580T>G (NM_001408475.1, NM_001407875.1, NM_001407659.1 and 21 more transcripts).
Identifiers: ClinVar variation 867259 (VCV000867259.3), dbSNP rs759417413, ClinGen allele CA916080911.